The following is an entry in ClinVar:

ClinVar aggregate classification (germline): Uncertain significance (1 of 4 stars; one submission).

gnomAD v4.1: 3 of 1,614,120 alleles (0.00019%); highest among the groups gnomAD compares: East Asian, 0.0045%; no homozygotes.

Submission:

Labcorp Genetics (formerly Invitae), Labcorp
Classification: Uncertain significance. Last evaluated: 2022-12-06. Review status: criteria provided, single submitter. Criteria: Invitae Variant Classification Sherloc (09022015). Collection method: clinical testing. Allele origin: germline.
Comment: This sequence change replaces proline, which is neutral and non-polar, with arginine, which is basic and polar, at codon 69 of the KANK1 protein (p.Pro69Arg). This variant is present in population databases (rs61737969, gnomAD 0.006%). This variant has not been reported in the literature in individuals affected with KANK1-related conditions. Algorithms developed to predict the effect of missense changes on protein structure and function are either unavailable or do not agree on the potential impact of this missense change (SIFT: "Deleterious"; PolyPhen-2: "Possibly Damaging"; Align-GVGD: "Class C0"). In summary, the available evidence is currently insufficient to determine the role of this variant in disease. Therefore, it has been classified as a Variant of Uncertain Significance.

NM_015158.5(KANK1):c.206C>G (p.Pro69Arg)

Gene: KANK1 (KN motif and ankyrin repeat domains 1; plus strand). Cytogenetic location: 9p24.3.
Variant type: single nucleotide variant.
Coding change: c.206C>G on transcript NM_015158.5 (MANE Select); coding-DNA position 206, C replaced by G.
Protein change: p.Pro69Arg; replaces proline 69 with arginine.
Molecular consequence: missense variant. On other transcripts: 5 prime UTR variant (12), non-coding transcript variant (1).
Genome position (GRCh38, 1-based): chr9:710,972, C>G. VCF-style: chr9-710972-C-G. GRCh37 (hg19) VCF-style: chr9-710972-C-G.
Other names: c.206C>G, p.Pro69Arg (NM_001256876.3, NM_001256877.3, NM_001354331.2 and 2 more transcripts); c.-269C>G (NM_001354333.2, NM_001354335.2, NM_001354336.2 and 9 more transcripts); short protein forms P69R.
Identifiers: ClinVar variation 2818908 (VCV002818908.3), dbSNP rs61737969, ClinGen allele CA4959880.